The following is an entry in ClinVar:

NM_173660.5(DOK7):c.414C>T (p.Leu138=)

Gene: DOK7 (docking protein 7; plus strand). Cytogenetic location: 4p16.3.
Variant type: single nucleotide variant.
Coding change: c.414C>T on transcript NM_173660.5 (MANE Select); coding-DNA position 414, C replaced by T.
Protein change: p.Leu138=; no amino-acid change (leucine 138 retained).
Molecular consequence: synonymous variant. On other transcripts: intron variant (1).
Genome position (GRCh38, 1-based): chr4:3,476,424, C>T. VCF-style: chr4-3476424-C-T. GRCh37 (hg19) VCF-style: chr4-3478151-C-T.
Other names: c.101-9115C>T (NM_001363811.2); c.414C>T, p.Leu138= (NM_001164673.2, NM_001301071.2).
Identifiers: ClinVar variation 1703994 (VCV001703994.8), dbSNP rs771995943, ClinGen allele CA2828993.

ClinVar aggregate classification (germline): Likely pathogenic. Review status: criteria provided, multiple submitters, no conflicts (2 of 4 stars). 4 submissions from 4 submitters: Likely pathogenic (4). Last evaluated 2024-01-28.

Conditions:
Fetal akinesia deformation sequence 3. Identifiers: MedGen C4760599, MONDO:0100103, OMIM 618389.
Congenital myasthenic syndrome (CMS). Also called: Congenital Myasthenic Syndromes. Identifiers: Orphanet 590, MedGen C0751882, MeSH D020294, MONDO:0018940.
Congenital myasthenic syndrome 10. Also called: Myasthenia, limb-girdle, familial. Identifiers: Orphanet 590, MedGen C1850792, MONDO:0009690, OMIM 254300.
Fetal akinesia deformation sequence 1 (FADS1). Also called: Pena-Shokeir syndrome type I; Fetal akinesia sequence. Identifiers: Orphanet 994, MedGen C1276035, MONDO:0100101, OMIM 208150, HP:0001989.

Allele frequency attached by ClinVar (database versions not stated): gnomAD exomes below 0.00001; ExAC 0.00002.
gnomAD v4.1: 6 of 1,613,480 alleles (0.00037%); highest among the groups gnomAD compares: Non-Finnish European, 0.00051%; no homozygotes.

Submissions (4):

Baylor Genetics
Classification: Likely pathogenic for Fetal akinesia deformation sequence 3. Last evaluated: 2024-01-28. Review status: criteria provided, single submitter. Criteria: ACMG Guidelines, 2015. Collection method: clinical testing. Allele origin: unknown.

Labcorp Genetics (formerly Invitae), Labcorp
Classification: Likely pathogenic for Congenital myasthenic syndrome 10; Fetal akinesia deformation sequence 1. Last evaluated: 2023-11-15. Review status: criteria provided, single submitter. Criteria: Invitae Variant Classification Sherloc (09022015). Collection method: clinical testing. Allele origin: germline.
Comment: This sequence change affects codon 138 of the DOK7 mRNA. It is a 'silent' change, meaning that it does not change the encoded amino acid sequence of the DOK7 protein. This variant is present in population databases (rs771995943, gnomAD 0.003%). This variant has been observed in individual(s) with congenital myasthenic syndrome (PMID: 22661499, 33756069). In at least one individual the data is consistent with being in trans (on the opposite chromosome) from a pathogenic variant. ClinVar contains an entry for this variant (Variation ID: 1703994). Studies have shown that this variant is associated with altered splicing resulting in unknown protein product impact (PMID: 22661499). In summary, the currently available evidence indicates that the variant is pathogenic, but additional data are needed to prove that conclusively. Therefore, this variant has been classified as Likely Pathogenic.

Women's Health and Genetics/Laboratory Corporation of America, LabCorp
Classification: Likely pathogenic for Congenital myasthenic syndrome. Last evaluated: 2023-08-29. Review status: criteria provided, single submitter. Criteria: LabCorp Variant Classification Summary - May 2015. Collection method: clinical testing. Allele origin: germline.
Comment: Variant summary: DOK7 c.414C>T alters a conserved nucleotide resulting in a synonymous change. Several computational tools predict a significant impact on normal splicing: three predict the variant strengthens a cryptic 3' acceptor site within exon4. At least one publication reports experimental evidence, confirming that this variant affects mRNA splicing, producing a shorter transcript with the deletion of 94 nucleotides at the 5' end of exon 4 (which results in a frameshift at the protein level), in addition to the correctly spliced WT transcript (Cossins_2012). The variant allele was found at a frequency of 1.2e-05 in 250694 control chromosomes (gnomAD. The variant c.414C>T (p.L138L) has been reported in the literature in compound heterozygous individuals affected with Congenital Myasthenic Syndrome (e.g. Cossins_2012, Zhao_2021). These data indicate that the variant may be associated with disease. The following publications have been ascertained in the context of this evaluation (PMID: 22661499, 33756069). One submitter has cited clinical-significance assessments for this variant to ClinVar after 2014 and has classified the variant as likely pathogenic. Based on the evidence outlined above, the variant was classified as likely pathogenic.

GeneDx
Classification: Likely pathogenic. Last evaluated: 2022-03-03. Review status: criteria provided, single submitter. Criteria: GeneDx Variant Classification Process June 2021. Collection method: clinical testing. Allele origin: germline. Affected: yes.
Comment: Splice site variant demonstrated to result in protein truncation in a gene for which loss-of-function is a known mechanism of disease (Cossins et al., 2012); Not observed at significant frequency in large population cohorts (gnomAD); This variant is associated with the following publications: (PMID: 34426522, 22661499, 33756069)

Literature cited by the submitters: PubMed 22661499 (cited by Labcorp Genetics (formerly Invitae), Labcorp and Women's Health and Genetics/Laboratory Corporation of America, LabCorp); PubMed 33756069 (cited by Labcorp Genetics (formerly Invitae), Labcorp and Women's Health and Genetics/Laboratory Corporation of America, LabCorp).